The following is an entry in ClinVar:

ClinVar aggregate classification (germline): Uncertain significance (1 of 4 stars; one submission).

gnomAD v4.1: 19 of 1,195,674 alleles (0.0016%); highest among the groups gnomAD compares: Non-Finnish European, 0.0019%; no homozygotes.

Submission:

Ambry Genetics
Classification: Uncertain significance. Last evaluated: 2026-04-28. Review status: criteria provided, single submitter. Criteria: Ambry Variant Classification Scheme 2023. Collection method: clinical testing. Allele origin: germline.
Comment: The c.907C>T (p.R303C) alteration is located in exon 12 (coding exon 12) of the GRIPAP1 gene. This alteration results from a C to T substitution at nucleotide position 907, causing the arginine (R) at amino acid position 303 to be replaced by a cysteine (C). Based on data from gnomAD, the T allele has an overall frequency of 0.002% (3/181528) total alleles studied. The highest observed frequency was 0.004% (3/80809) of European (non-Finnish) alleles. Based on insufficient or conflicting evidence, the clinical significance of this alteration remains unclear.

NM_020137.5(GRIPAP1):c.907C>T (p.Arg303Cys)

Gene: GRIPAP1 (GRIP1 associated protein 1; minus strand). Cytogenetic location: Xp11.23.
Variant type: single nucleotide variant.
Coding change: c.907C>T on transcript NM_020137.5 (MANE Select); coding-DNA position 907, C replaced by T.
Protein change: p.Arg303Cys; replaces arginine 303 with cysteine.
Molecular consequence: missense variant.
Genome position (GRCh38, 1-based): chrX:48,988,162, G>A on the plus strand (C>T on the coding strand, the complement: GRIPAP1 is on the minus strand). VCF-style: chrX-48988162-G-A. GRCh37 (hg19) VCF-style: chrX-48844574-G-A.
Other names: short protein forms R303C.
Identifiers: ClinVar variation 4858225 (VCV004858225.1).
Genomic context (GRCh38, chrX:48,988,162, plus strand): 5'-CCCACGCAGTACAATATACCTGATCTTGTAGGGCCCGCAAAGCTGCTGCATGTTCCAGGC[G>A]CTCCCCCTGCCGCTGATCTCTCAGCTCTGCCAAGCTCTGTGGAGACCAGGGGAGCCCATT-3'
Protein context (NP_064522.4, residues 293-313): AELRDQRQGE[Arg303Cys]LEHAAALRAL